The following is an entry in ClinVar:

NM_000057.4(BLM):c.3233C>G (p.Thr1078Ser)

Gene: BLM (BLM RecQ like helicase; plus strand). Cytogenetic location: 15q26.1.
Variant type: single nucleotide variant.
Coding change: c.3233C>G on transcript NM_000057.4 (MANE Select); coding-DNA position 3233, C replaced by G.
Protein change: p.Thr1078Ser; replaces threonine 1078 with serine.
Molecular consequence: missense variant.
Genome position (GRCh38, 1-based): chr15:90,798,212, C>G. VCF-style: chr15-90798212-C-G. GRCh37 (hg19) VCF-style: chr15-91341442-C-G.
Other names: c.3233C>G, p.Thr1078Ser (NM_001287246.2, NM_001287247.2); c.2108C>G, p.Thr703Ser (NM_001287248.2); short protein forms T703S, T1078S.
Identifiers: ClinVar variation 1041248 (VCV001041248.10), dbSNP rs1897076116, ClinGen allele CA393847149.
Genomic context (GRCh38, chr15:90,798,212, plus strand): 5'-CTTAATTATAGCAGAAAGTATTCTCTTTTTATTCATAGGATTATAAAACAAGAGATGTGA[C>G]TGACGATGTGAAAAGTATTGTAAGATTTGTTCAAGAACATAGTTCATCACAAGGAATGAG-3'
Protein context (NP_000048.1, residues 1068-1088): KTKDYKTRDV[Thr1078Ser]DDVKSIVRFV

ClinVar aggregate classification (germline): Uncertain significance (1 of 4 stars; one submission).

Conditions:
Bloom syndrome (BLM). Also called: Bloom-Torre-Machacek syndrome. Identifiers: Orphanet 125, MedGen C0005859, MONDO:0008876, OMIM 210900.

Submission:

Labcorp Genetics (formerly Invitae), Labcorp
Classification: Uncertain significance for Bloom syndrome. Last evaluated: 2024-01-24. Review status: criteria provided, single submitter. Criteria: Invitae Variant Classification Sherloc (09022015). Collection method: clinical testing. Allele origin: germline.
Comment: This sequence change replaces threonine, which is neutral and polar, with serine, which is neutral and polar, at codon 1078 of the BLM protein (p.Thr1078Ser). This variant is not present in population databases (gnomAD no frequency). This variant has not been reported in the literature in individuals affected with BLM-related conditions. ClinVar contains an entry for this variant (Variation ID: 1041248). Advanced modeling of protein sequence and biophysical properties (such as structural, functional, and spatial information, amino acid conservation, physicochemical variation, residue mobility, and thermodynamic stability) performed at Invitae indicates that this missense variant is not expected to disrupt BLM protein function with a negative predictive value of 80%. In summary, the available evidence is currently insufficient to determine the role of this variant in disease. Therefore, it has been classified as a Variant of Uncertain Significance.